The following is an entry in ClinVar:

ClinVar aggregate classification (germline): Uncertain significance. Review status: criteria provided, single submitter (1 of 4 stars). 2 submissions from 2 submitters: Uncertain significance (1). 1 of the submissions does not count toward it. Last evaluated 2025-06-02.

Conditions:
MYO7A-related disorder. Also called: MYO7A-related disorders.

Allele frequency attached by ClinVar (database versions not stated): TOPMed 0.00003; gnomAD exomes 0.00010; gnomAD 0.00003.
gnomAD v4.1: 147 of 1,571,748 alleles (0.0094%); highest among the groups gnomAD compares: Non-Finnish European, 0.012%; no homozygotes.

Submissions (2):

Labcorp Genetics (formerly Invitae), Labcorp
Classification: Uncertain significance. Last evaluated: 2025-06-02. Review status: criteria provided, single submitter. Criteria: Invitae Variant Classification Sherloc (09022015). Collection method: clinical testing. Allele origin: germline.
Comment: This sequence change replaces threonine, which is neutral and polar, with serine, which is neutral and polar, at codon 371 of the MYO7A protein (p.Thr371Ser). This variant is present in population databases (rs782193578, gnomAD 0.008%). This variant has not been reported in the literature in individuals affected with MYO7A-related conditions. ClinVar contains an entry for this variant (Variation ID: 2163134). Invitae Evidence Modeling of protein sequence and biophysical properties (such as structural, functional, and spatial information, amino acid conservation, physicochemical variation, residue mobility, and thermodynamic stability) indicates that this missense variant is not expected to disrupt MYO7A protein function with a negative predictive value of 95%. In summary, the available evidence is currently insufficient to determine the role of this variant in disease. Therefore, it has been classified as a Variant of Uncertain Significance.

PreventionGenetics, part of Exact Sciences
Classification: Uncertain significance for MYO7A-related condition. Last evaluated: 2024-08-02. Review status: no assertion criteria provided. Collection method: clinical testing. Allele origin: germline. Not counted in ClinVar's aggregate classification.
Comment: The MYO7A c.1111A>T variant is predicted to result in the amino acid substitution p.Thr371Ser. To our knowledge, this variant has not been reported in the literature. This variant is reported in 0.0065% of alleles in individuals of European (Non-Finnish) descent in gnomAD. At this time, the clinical significance of this variant is uncertain due to the absence of conclusive functional and genetic evidence.

NM_000260.4(MYO7A):c.1111A>T (p.Thr371Ser)

Gene: MYO7A (myosin VIIA; plus strand). Cytogenetic location: 11q13.5.
Variant type: single nucleotide variant.
Coding change: c.1111A>T on transcript NM_000260.4 (MANE Select); coding-DNA position 1111, A replaced by T.
Protein change: p.Thr371Ser; replaces threonine 371 with serine.
Molecular consequence: missense variant.
Genome position (GRCh38, 1-based): chr11:77,160,193, A>T. VCF-style: chr11-77160193-A-T. GRCh37 (hg19) VCF-style: chr11-76871239-A-T.
Other names: c.1111A>T (NM_000260.3); c.1111A>T, p.Thr371Ser (NM_001127180.2); c.1078A>T, p.Thr360Ser (NM_001369365.1); short protein forms T360S, T371S.
Identifiers: ClinVar variation 2163134 (VCV002163134.4), dbSNP rs782193578, ClinGen allele CA6197385.
Genomic context (GRCh38, chr11:77,160,193, plus strand): 5'-GGTGAGCACCTGGGGTGTTGCCTGTACCAGGTGAACCCCCCAGACCTGATGAGCTGCCTG[A>T]CTAGCCGCACCCTCATCACCCGCGGGGAGACGGTGTCCACCCCACTGAGCAGGGAACAGG-3'
Protein context (NP_000251.3, residues 361-381): VNPPDLMSCL[Thr371Ser]SRTLITRGET